The following is an entry in ClinVar:

ClinVar aggregate classification (germline): Uncertain significance. Review status: criteria provided, multiple submitters, no conflicts (2 of 4 stars). 2 submissions from 2 submitters: Uncertain significance (2). Last evaluated 2025-08-08.

Conditions:
Fanconi anemia (FA). Also called: Fanconi's anemia. Identifiers: Orphanet 84, MedGen C0015625, MeSH D005199, MONDO:0019391.
Inborn genetic diseases. Identifiers: MedGen C0950123, MeSH D030342.

Submissions (2):

Ambry Genetics
Classification: Uncertain significance for Inborn genetic diseases. Last evaluated: 2025-08-08. Review status: criteria provided, single submitter. Criteria: Ambry Variant Classification Scheme 2023. Collection method: clinical testing. Allele origin: germline.
Comment: The p.S614T variant (also known as c.1841G>C), located in coding exon 11 of the FANCM gene, results from a G to C substitution at nucleotide position 1841. The serine at codon 614 is replaced by threonine, an amino acid with similar properties. This amino acid position is conserved. In addition, this alteration is predicted to be tolerated by in silico analysis. Based on the available evidence, the clinical significance of this variant remains unclear.

Labcorp Genetics (formerly Invitae), Labcorp
Classification: Uncertain significance for Fanconi anemia. Last evaluated: 2020-07-26. Review status: criteria provided, single submitter. Criteria: Invitae Variant Classification Sherloc (09022015). Collection method: clinical testing. Allele origin: germline.
Comment: This variant has not been reported in the literature in individuals with FANCM-related conditions. This sequence change replaces serine with threonine at codon 614 of the FANCM protein (p.Ser614Thr). The serine residue is weakly conserved and there is a small physicochemical difference between serine and threonine. This variant is not present in population databases (ExAC no frequency). Algorithms developed to predict the effect of missense changes on protein structure and function are either unavailable or do not agree on the potential impact of this missense change (SIFT: "Deleterious"; PolyPhen-2: "Benign"; Align-GVGD: "Class C0"). In summary, the available evidence is currently insufficient to determine the role of this variant in disease. Therefore, it has been classified as a Variant of Uncertain Significance.

NM_020937.4(FANCM):c.1841G>C (p.Ser614Thr)

Gene: FANCM (FA complementation group M; plus strand). Cytogenetic location: 14q21.2.
Variant type: single nucleotide variant.
Coding change: c.1841G>C on transcript NM_020937.4 (MANE Select); coding-DNA position 1841, G replaced by C.
Protein change: p.Ser614Thr; replaces serine 614 with threonine.
Molecular consequence: missense variant.
Genome position (GRCh38, 1-based): chr14:45,167,002, G>C. VCF-style: chr14-45167002-G-C. GRCh37 (hg19) VCF-style: chr14-45636205-G-C.
Other names: c.1763G>C, p.Ser588Thr (NM_001308133.2); c.1841G>C, p.Ser614Thr (NM_001308134.2); c.1841G>C (NM_020937.2); short protein forms S614T, S588T.
Identifiers: ClinVar variation 1046877 (VCV001046877.9), dbSNP rs1888024744, ClinGen allele CA389594887.